The following is an entry in ClinVar:

ClinVar aggregate classification (germline): Likely benign. Review status: criteria provided, single submitter (1 of 4 stars). 2 submissions from 2 submitters: Likely benign (1). 1 of the submissions does not count toward it. Last evaluated 2024-11-28.

Conditions:
CDK12-related disorder. Also called: CDK12-related condition.

Allele frequency attached by ClinVar (database versions not stated): gnomAD 0.00005; TOPMed 0.00005; gnomAD exomes 0.00006; ExAC 0.00007.
gnomAD v4.1: 91 of 1,604,932 alleles (0.0057%); highest among the groups gnomAD compares: Non-Finnish European, 0.0076%; no homozygotes.

Submissions (2):

Ambry Genetics
Classification: Likely benign. Last evaluated: 2024-11-28. Review status: criteria provided, single submitter. Criteria: Ambry Variant Classification Scheme 2023. Collection method: clinical testing. Allele origin: germline.

PreventionGenetics, part of Exact Sciences
Classification: Likely benign for CDK12-related condition. Last evaluated: 2019-02-27. Review status: no assertion criteria provided. Collection method: clinical testing. Allele origin: germline. Not counted in ClinVar's aggregate classification.
Comment: This variant is classified as likely benign based on ACMG/AMP sequence variant interpretation guidelines (Richards et al. 2015 PMID: 25741868, with internal and published modifications).

NM_016507.4(CDK12):c.3717G>A (p.Gln1239=)

Gene: CDK12 (cyclin dependent kinase 12; plus strand). Cytogenetic location: 17q12.
Variant type: single nucleotide variant.
Coding change: c.3717G>A on transcript NM_016507.4 (MANE Select); coding-DNA position 3717, G replaced by A.
Protein change: p.Gln1239=; no amino-acid change (glutamine 1239 retained).
Molecular consequence: synonymous variant.
Genome position (GRCh38, 1-based): chr17:39,526,273, G>A. VCF-style: chr17-39526273-G-A. GRCh37 (hg19) VCF-style: chr17-37682526-G-A.
Other names: c.3717G>A, p.Gln1239= (NM_015083.4); c.3717G>A (NM_016507.2).
Identifiers: ClinVar variation 3043246 (VCV003043246.3), dbSNP rs538121403, ClinGen allele CA8531569.